The following is an entry in ClinVar:

ClinVar aggregate classification (germline): Conflicting classifications of pathogenicity. Review status: criteria provided, conflicting classifications (1 of 4 stars). 6 submissions from 6 submitters: Uncertain significance (5); Likely benign (1). Last evaluated 2025-11-18.

Conditions:
Cardiovascular phenotype. Identifiers: MedGen CN230736.
Familial isolated arrhythmogenic right ventricular dysplasia. Identifiers: Orphanet 217656, MedGen C4274968, MONDO:0016342.
Cardiomyopathy (CMYO). Also called: Cardiomyopathies. Identifiers: Orphanet 167848, MedGen C0878544, MONDO:0004994, HP:0001638. Inheritance: Various modes of inheritance.
Arrhythmogenic right ventricular dysplasia 11. Also called: ARRHYTHMOGENIC RIGHT VENTRICULAR DYSPLASIA, FAMILIAL, 11; Arrhythmogenic right ventricular dysplasia 11 with mild palmoplantar keratoderma and woolly hair; Arrhythmogenic Right Ventricular Dysplasia/Cardiomyopathy11. Identifiers: MedGen C1864850, MONDO:0012506, OMIM 610476.

Allele frequency attached by ClinVar (database versions not stated): gnomAD 0.00001; TOPMed 0.00002; gnomAD exomes 0.00006 and 0.00007; ExAC 0.00008.
gnomAD v4.1: 103 of 1,614,046 alleles (0.0064%); highest among the groups gnomAD compares: Non-Finnish European, 0.0081%; no homozygotes.

Submissions (6):

Labcorp Genetics (formerly Invitae), Labcorp
Classification: Uncertain significance for Arrhythmogenic right ventricular dysplasia 11. Last evaluated: 2025-11-18. Review status: criteria provided, single submitter. Criteria: Invitae Variant Classification Sherloc (09022015). Collection method: clinical testing. Allele origin: germline.
Comment: This sequence change replaces threonine, which is neutral and polar, with alanine, which is neutral and non-polar, at codon 301 of the DSC2 protein (p.Thr301Ala). This variant is present in population databases (rs576466497, gnomAD 0.01%). This variant has not been reported in the literature in individuals affected with DSC2-related conditions. ClinVar contains an entry for this variant (Variation ID: 199764). Invitae Evidence Modeling of protein sequence and biophysical properties (such as structural, functional, and spatial information, amino acid conservation, physicochemical variation, residue mobility, and thermodynamic stability) has been performed for this missense variant. However, the output from this modeling did not meet the statistical confidence thresholds required to predict the impact of this variant on DSC2 protein function. In summary, the available evidence is currently insufficient to determine the role of this variant in disease. Therefore, it has been classified as a Variant of Uncertain Significance.

Blueprint Genetics
Classification: Uncertain significance. Last evaluated: 2024-10-21. Review status: criteria provided, single submitter. Criteria: ACMG Guidelines, 2015. Collection method: clinical testing. Allele origin: germline.

Color Diagnostics, LLC DBA Color Health
Classification: Uncertain significance for Cardiomyopathy. Last evaluated: 2024-06-06. Review status: criteria provided, single submitter. Criteria: ACMG Guidelines, 2015. Collection method: clinical testing. Allele origin: germline.
Comment: This missense variant replaces threonine with alanine at codon 301 of the DSC2 protein. Computational prediction suggests that this variant may not impact protein structure and function (internally defined REVEL score threshold <= 0.5, PMID: 27666373). To our knowledge, functional studies have not been reported for this variant. This variant has not been reported in individuals affected with DSC2-related disorders in the literature. This variant has been identified in 14/251442 chromosomes in the general population by the Genome Aggregation Database (gnomAD). The available evidence is insufficient to determine the role of this variant in disease conclusively. Therefore, this variant is classified as a Variant of Uncertain Significance.

All of Us Research Program, National Institutes of Health
Classification: Uncertain significance for Familial isolated arrhythmogenic right ventricular dysplasia. Last evaluated: 2024-01-11. Review status: criteria provided, single submitter. Criteria: ACMG Guidelines, 2015. Collection method: clinical testing. Allele origin: germline. Inheritance: Autosomal dominant inheritance. Observed: 6 variant alleles, 6 heterozygotes.
Comment: This missense variant replaces threonine with alanine at codon 301 of the DSC2 protein. Computational prediction suggests that this variant may not impact protein structure and function (internally defined REVEL score threshold <= 0.5, PMID: 27666373). To our knowledge, functional studies have not been reported for this variant. This variant has not been reported in individuals affected with cardiovascular disorders in the literature. This variant has been identified in 14/251442 chromosomes in the general population by the Genome Aggregation Database (gnomAD). The available evidence is insufficient to determine the role of this variant in disease conclusively. Therefore, this variant is classified as a Variant of Uncertain Significance.

This study involves interpretation of variants in research participants for the purpose of population health screening. Participant phenotype was not available at the time of variant classification. Additional details can be found in publication PMID: 35346344, PMCID: PMC8962531

Ambry Genetics
Classification: Likely benign for Cardiovascular phenotype. Last evaluated: 2023-11-20. Review status: criteria provided, single submitter. Criteria: Ambry Variant Classification Scheme 2023. Collection method: clinical testing. Allele origin: germline.

GeneDx
Classification: Uncertain significance. Last evaluated: 2016-12-06. Review status: criteria provided, single submitter. Criteria: GeneDx Variant Classification (06012015). Collection method: clinical testing. Allele origin: germline. Affected: yes.
Comment: A variant of uncertain significance has been identified in the DSC2 gene. The T301A variant has not been publishedas a pathogenic variant, nor has it been reported as a benign variant to our knowledge. T301A was not observed in approximately 6,500individuals of European and African American ancestry in the NHLBI Exome Sequencing Project, and was notobserved with any significant frequency in the Exome Aggregation Consortium (ExAC). Although this substitutionoccurs at a position that is conserved, A301 is present in at least one species. Nevertheless, the T301A variant is anon-conservative amino acid substitution, which is likely to impact secondary protein structure as these residues differin polarity, charge, size and/or other properties. Furthermore, in silico analysis predicts this variant is probablydamaging to the protein structure/function.Therefore, based on the currently available information, it is unclear whether this variant is pathogenic or rare benign.This result cannot be interpreted for diagnosis or used for family member screening at this time.

NM_024422.6(DSC2):c.901A>G (p.Thr301Ala)

Gene: DSC2 (desmocollin 2; minus strand). Cytogenetic location: 18q12.1.
Variant type: single nucleotide variant.
Coding change: c.901A>G on transcript NM_024422.6 (MANE Select); coding-DNA position 901, A replaced by G.
Protein change: p.Thr301Ala; replaces threonine 301 with alanine.
Molecular consequence: missense variant.
Genome position (GRCh38, 1-based): chr18:31,086,617, T>C on the plus strand (A>G on the coding strand, the complement: DSC2 is on the minus strand). VCF-style: chr18-31086617-T-C. GRCh37 (hg19) VCF-style: chr18-28666580-T-C.
Other names: p.T301A:ACA>GCA; c.901A>G, p.Thr301Ala (NM_004949.5); short protein forms T301A.
Identifiers: ClinVar variation 199764 (VCV000199764.16), dbSNP rs576466497, ClinGen allele CA022968.